The following is an entry in ClinVar:

NM_001040142.2(SCN2A):c.386+17C>T

Gene: SCN2A (sodium voltage-gated channel alpha subunit 2; plus strand). Cytogenetic location: 2q24.3.
Variant type: single nucleotide variant.
Coding change: c.386+17C>T on transcript NM_001040142.2 (MANE Select); 17 bases into the intron after coding-DNA position 386, C replaced by T.
Molecular consequence: intron variant.
Genome position (GRCh38, 1-based): chr2:165,297,152, C>T. VCF-style: chr2-165297152-C-T. GRCh37 (hg19) VCF-style: chr2-166153662-C-T.
Other names: c.386+17C>T (NM_001040143.2, NM_001371246.1, NM_001371247.1 and 1 more transcripts).
Identifiers: ClinVar variation 139023 (VCV000139023.10), dbSNP rs201918346, ClinGen allele CA293272.
Genomic context (GRCh38, chr2:165,297,152, plus strand): 5'-TTCAACCCTATTAGAAAATTAGCTATTAAGATTTTGGTACATTCATATCCTTTTTCAAAT[C>T]GTCACTTAATATGATTTTCTTCTTTGACCAAGTTATTGAGCTACACATTTTCCAAAATAT-3'

ClinVar aggregate classification (germline): Benign/Likely benign. Review status: criteria provided, multiple submitters, no conflicts (2 of 4 stars). 3 submissions from 3 submitters: Benign (2); Likely benign (1). Last evaluated 2026-02-02.

Conditions:
Seizures, benign familial infantile, 3 (BFIS3). Also called: Familial neonatal seizures; CONVULSIONS, BENIGN FAMILIAL INFANTILE, 3. Identifiers: Orphanet 140927, Orphanet 306, MedGen C1843140, MONDO:0011904, OMIM 607745.
Developmental and epileptic encephalopathy, 11 (DEE11). Also called: Early infantile epileptic encephalopathy 11. Identifiers: Orphanet 1934, MedGen C3150987, MONDO:0013388, OMIM 613721.

Allele frequency attached by ClinVar (database versions not stated): ExAC 0.00035; gnomAD exomes 0.00045; 1000 Genomes Project 30x 0.00047; TOPMed 0.00059; 1000 Genomes Project 0.00060; ESP Exome Variant Server 0.00062; gnomAD 0.00064 and 0.00066.
gnomAD v4.1: 1,148 of 1,376,176 alleles (0.083%); highest among the groups gnomAD compares: Non-Finnish European, 0.1%; 1 homozygote.

Submissions (3):

Labcorp Genetics (formerly Invitae), Labcorp
Classification: Benign for Seizures, benign familial infantile, 3; Developmental and epileptic encephalopathy, 11. Last evaluated: 2026-02-02. Review status: criteria provided, single submitter. Criteria: Invitae Variant Classification Sherloc (09022015). Collection method: clinical testing. Allele origin: germline.

Blueprint Genetics
Classification: Likely benign. Last evaluated: 2024-11-07. Review status: criteria provided, single submitter. Criteria: ACMG Guidelines, 2015. Collection method: clinical testing. Allele origin: germline.

GeneDx
Classification: Benign. Last evaluated: 2013-12-04. Review status: criteria provided, single submitter. Criteria: GeneDx Variant Classification (06012015). Collection method: clinical testing. Allele origin: germline. Affected: yes.
Comment: This variant is considered likely benign or benign based on one or more of the following criteria: it is a conservative change, it occurs at a poorly conserved position in the protein, it is predicted to be benign by multiple in silico algorithms, and/or has population frequency not consistent with disease.